The following is an entry in ClinVar:

NM_000152.5(GAA):c.829_830del (p.Thr277fs)

Gene: GAA (alpha glucosidase; plus strand). Cytogenetic location: 17q25.3.
Variant type: Deletion.
Coding change: c.829_830del on transcript NM_000152.5 (MANE Select); coding-DNA positions 829 to 830, 2 bases deleted (AC; older notation c.829_830delAC).
Protein change: p.Thr277fs; shifts the reading frame from threonine 277.
Molecular consequence: frameshift variant.
Genome position (GRCh38, 1-based): chr17:80,107,693-80,107,694, AC deleted; deleting any 2 consecutive bases within chr17:80,107,692-80,107,694 gives the same sequence; the c. name uses the placement nearest the transcript's 3' end. VCF-style (leftmost placement, unchanged base first): chr17-80107691-TCA-T. GRCh37 (hg19) VCF-style: chr17-78081490-TCA-T.
Other names: c.829_830del, p.Thr277fs (NM_001079803.3, NM_001079804.3); c.829_830delAC, p.Thr277Profs (NM_001406741.1, NM_001406742.1); short protein forms T277fs.
Identifiers: ClinVar variation 1725545 (VCV001725545.2), dbSNP rs2510358298, ClinGen allele CA2580095271.

ClinVar aggregate classification (germline): Likely pathogenic (1 of 4 stars; one submission).

Conditions:
Glycogen storage disease, type II (IOPD). Also called: Glucosidase acid-1,4-alpha deficiency; Pompe Disease; GLYCOGENOSIS, GENERALIZED, CARDIAC FORM; GSD II; CARDIOMEGALIA GLYCOGENICA DIFFUSA; Glycogen storage disease type 2. Identifiers: Orphanet 365, MedGen C0017921, MONDO:0009290, OMIM 232300.

Submission:

Myriad Genetics, Inc.
Classification: Likely pathogenic for Glycogen storage disease, type II. Last evaluated: 2022-02-17. Review status: criteria provided, single submitter. Criteria: Myriad Women's Health Autosomal Recessive and X-Linked Classification Criteria (2021). Collection method: clinical testing. Allele origin: unknown.
Comment: NM_000152.3(GAA):c.829_830delAC(T277Pfs*52) is expected to be pathogenic in the context of Pompe disease. This variant is predicted to lead to an abnormal or absent protein product due to the creation of a premature termination codon in GAA, a gene where loss-of-function variants are known to be pathogenic. Please note: this variant was assessed in the context of healthy population screening.